The following is an entry in ClinVar:

NM_001243177.4(ALDOA):c.649G>A (p.Ala217Thr)

Genes: ALDOA (aldolase, fructose-bisphosphate A; plus strand), LOC112694756 (uncharaterized LOC112694756; plus strand). Cytogenetic location: 16p11.2.
Variant type: single nucleotide variant.
Coding change: c.649G>A on transcript NM_001243177.4 (MANE Select); coding-DNA position 649, G replaced by A.
Protein change: p.Ala217Thr; replaces alanine 217 with threonine.
Molecular consequence: missense variant. On other transcripts: 3 prime UTR variant (3).
Genome position (GRCh38, 1-based): chr16:30,068,925, G>A. VCF-style: chr16-30068925-G-A. GRCh37 (hg19) VCF-style: chr16-30080246-G-A.
Other names: NM_000034.3:c.487G>A; c.*996G>A (NM_001365304.2, NM_001365305.2, NM_001365307.2); c.487G>A, p.Ala163Thr (NM_001127617.2, NM_184041.5, NM_184043.2); short protein forms A163T, A217T.
Identifiers: ClinVar variation 2177784 (VCV002177784.4), dbSNP rs761705909, ClinGen allele CA8001013.

ClinVar aggregate classification (germline): Uncertain significance. Review status: criteria provided, multiple submitters, no conflicts (2 of 4 stars). 2 submissions from 2 submitters: Uncertain significance (2). Last evaluated 2025-04-07.

Conditions:
Inborn genetic diseases. Identifiers: MedGen C0950123, MeSH D030342.
HNSHA due to aldolase A deficiency (GSD12). Also called: GLYCOGEN STORAGE DISEASE XII; GSD XII; RED CELL ALDOLASE DEFICIENCY; Glycogen storage disease due to aldolase A deficiency. Identifiers: Orphanet 57, MedGen C0272066, MONDO:0012747, OMIM 611881.

Allele frequency attached by ClinVar (database versions not stated): ExAC 0.00001; TOPMed 0.00001; gnomAD 0.00002; gnomAD exomes 0.00003.
gnomAD v4.1: 52 of 1,614,074 alleles (0.0032%); highest among the groups gnomAD compares: South Asian, 0.013%; no homozygotes.

Submissions (2):

Ambry Genetics
Classification: Uncertain significance for Inborn genetic diseases. Last evaluated: 2025-04-07. Review status: criteria provided, single submitter. Criteria: Ambry Variant Classification Scheme 2023. Collection method: clinical testing. Allele origin: germline.

Labcorp Genetics (formerly Invitae), Labcorp
Classification: Uncertain significance for HNSHA due to aldolase A deficiency. Last evaluated: 2021-12-15. Review status: criteria provided, single submitter. Criteria: Invitae Variant Classification Sherloc (09022015). Collection method: clinical testing. Allele origin: germline.
Comment: In summary, the available evidence is currently insufficient to determine the role of this variant in disease. Therefore, it has been classified as a Variant of Uncertain Significance. Algorithms developed to predict the effect of missense changes on protein structure and function are either unavailable or do not agree on the potential impact of this missense change (SIFT: "Tolerated"; PolyPhen-2: "Possibly Damaging"; Align-GVGD: "Class C0"). This variant has not been reported in the literature in individuals affected with ALDOA-related conditions. This variant is present in population databases (rs761705909, gnomAD 0.01%). This sequence change replaces alanine, which is neutral and non-polar, with threonine, which is neutral and polar, at codon 163 of the ALDOA protein (p.Ala163Thr).